The following continues an entry in ClinVar:

NM_000059.4(BRCA2):c.1964C>G (p.Pro655Arg)

Gene: BRCA2. ClinVar aggregate classification (germline): Benign. Benign (1).

Submissions 22 to 34 of 34:

GeneDx
Classification: Benign. Last evaluated: 2013-10-03. Review status: criteria provided, single submitter. Criteria: GeneDx Variant Classification (06012015). Collection method: clinical testing. Allele origin: germline. Affected: yes. Not counted in ClinVar's aggregate classification.
Comment: This variant is considered likely benign or benign based on one or more of the following criteria: it is a conservative change, it occurs at a poorly conserved position in the protein, it is predicted to be benign by multiple in silico algorithms, and/or has population frequency not consistent with disease.

Biesecker Lab/Clinical Genomics Section, National Institutes of Health
Classification: Likely benign for Breast-ovarian cancer, familial, susceptibility to, 2. Last evaluated: 2023-10-03. Review status: no assertion criteria provided. Collection method: research. Allele origin: germline. Inheritance: Autosomal dominant inheritance. Affected: no. Observed: 2 variant alleles. Study: ClinSeq. Not counted in ClinVar's aggregate classification.
Comment: BS1 based on allele frequency in AJ population of 0.002115 in gnomAD. BP4 based on REVEL score of 0.150. PMID:15290653 provides evidence for co-occurrence with pathogenic variants and lack of segregation, BP5.

BRCAlab, Lund University
Classification: Benign for Breast-ovarian cancer, familial, susceptibility to, 2. Last evaluated: 2020-03-02. Review status: no assertion criteria provided. Collection method: clinical testing. Allele origin: germline. Affected: yes. Not counted in ClinVar's aggregate classification.

True Health Diagnostics
Classification: Benign for Hereditary cancer-predisposing syndrome. Last evaluated: 2018-09-06. Review status: no assertion criteria provided. Collection method: clinical testing. Allele origin: germline. Not counted in ClinVar's aggregate classification.

Mayo Clinic Laboratories, Mayo Clinic
Classification: Likely benign. Last evaluated: 2016-11-29. Review status: no assertion criteria provided. Collection method: clinical testing. Allele origin: unknown. Not counted in ClinVar's aggregate classification.

Counsyl
Classification: Likely benign for Breast-ovarian cancer, familial 2. Last evaluated: 2014-01-02. Review status: no assertion criteria provided. Collection method: literature only. Allele origin: unknown. Inheritance: Autosomal dominant inheritance. Not counted in ClinVar's aggregate classification.

Foulkes Cancer Genetics LDI, Lady Davis Institute for Medical Research
Classification: Benign for Breast and/or ovarian cancer. Last evaluated: 2012-08-30. Review status: no assertion criteria provided. Collection method: clinical testing. Allele origin: germline. Study: The Canadian Open Genetics Repository (COGR). Not counted in ClinVar's aggregate classification.

Breast Cancer Information Core (BIC) (BRCA2)
Classification: Uncertain significance for Breast-ovarian cancer, familial 2. Last evaluated: 2002-05-29. Review status: no assertion criteria provided. Collection method: clinical testing. Allele origin: germline. Affected: yes. Observed: 142 variant alleles. Not counted in ClinVar's aggregate classification.

Clinical Genetics Laboratory, Department of Pathology, Netherlands Cancer Institute
Classification: Benign. Review status: no assertion criteria provided. Collection method: clinical testing. Allele origin: germline. Affected: yes. Study: VKGL Data-share Consensus. Not counted in ClinVar's aggregate classification.

Department of Pathology and Laboratory Medicine, Sinai Health System
Classification: Benign. Review status: no assertion criteria provided. Collection method: clinical testing. Allele origin: unknown. Affected: yes. Study: The Canadian Open Genetics Repository (COGR). Not counted in ClinVar's aggregate classification.
Comment: The p.Pro655Arg variant has been reported in the literature in 2 of 600 proband chromosomes of individuals with hereditary breast cancer and ovarian cancer, although no control chromosomes were tested to establish the frequency in the general population (Goldgar 2004, Frank 2002, Biswas 2012, Walsh 2006, Caux-Moncoutier 2009). Frank et al (2008) described the prevalence of this variant at >5% of the Ashkenazi Jewish population, supporting the likelihood that this variant has â€šÃ„Ãºlittle clinical consequenceâ€šÃ„Ã¹. The p.Pro655 residue is not highly conserved in mammals; however, computational analyses (PolyPhen, SIFT, AlignGVGD) provide inconsistent predictions regarding the impact to the protein and this information is not very predictive of pathogenicity. The variant is listed in the dbSNP database (ID#: rs28897712) with a minor allele frequency of <0.003. Functional studies including protein structure prediction, detection of full-length protein and sensitivity to DNA damaging reagents, predict this variant to be "non-pathogenic" (Biswas 2012). In the UMD database, this variant is considered to have â€šÃ„Ãºneutralâ€šÃ„Ã¹ biological significance. The UMD database has also reported this variant in one individual (out of 8) with breast or ovarian cancer, where a second pathogenic BRCA2 mutation was also detected, and in another individual where a pathogenic BRCA1 mutation was also detected, further suggesting that this is a benign variant. This variant has been reported 142 times in the BIC database. The exome variant server has reported this variant in 10/13006 normal chromosomes. In summary, based on the above information, this variant is classified as Benign.

Genome Diagnostics Laboratory, University Medical Center Utrecht
Classification: Benign. Review status: no assertion criteria provided. Collection method: clinical testing. Allele origin: germline. Affected: yes. Study: VKGL Data-share Consensus. Not counted in ClinVar's aggregate classification.

Joint Genome Diagnostic Labs from Nijmegen and Maastricht, Radboudumc and MUMC+
Classification: Benign. Review status: no assertion criteria provided. Collection method: clinical testing. Allele origin: germline. Affected: yes. Study: VKGL Data-share Consensus. Not counted in ClinVar's aggregate classification.

Laboratory of Diagnostic Genome Analysis, Leiden University Medical Center (LUMC)
Classification: Benign. Review status: no assertion criteria provided. Collection method: clinical testing. Allele origin: germline. Affected: yes. Study: VKGL Data-share Consensus. Not counted in ClinVar's aggregate classification.

Literature cited by the submitters: PubMed 21990134 (cited by Evidence-based Network for the Interpretation of Germline Mutant Alleles (ENIGMA)); PubMed 15290653 (cited by Eurofins Ntd Llc (ga) and Counsyl); PubMed 18824701 (cited by Counsyl); PubMed 22678057 (cited by Counsyl); PubMed 11896095 (cited by Counsyl).